The following continues an entry in ClinVar:

NM_001182.5(ALDH7A1):c.1279G>C (p.Glu427Gln)

Gene: ALDH7A1. ClinVar aggregate classification (germline): Pathogenic/Likely pathogenic. Pathogenic (35); Likely pathogenic (2).

Submissions 22 to 43 of 43:

GeneDx
Classification: Pathogenic. Last evaluated: 2022-05-03. Review status: criteria provided, single submitter. Criteria: GeneDx Variant Classification Process June 2021. Collection method: clinical testing. Allele origin: germline. Affected: yes.
Comment: Published functional studies demonstrate the variant abolishes enzyme activity (Mills et al., 2006; Coulter-Mackie et al., 2012); In silico analysis supports that this missense variant has a deleterious effect on protein structure/function; This variant is associated with the following publications: (PMID: 31652343, 16491085, 26555630, 17068770, 17088338, 17721876, 26224730, 29056246, 31164858, 31980526, 20370816, 22371912, 22784480, 27438048, 26995068, 26943461, 16159904, 28832562, 29453417, 30609409, 29401530, 31737911, 31564432, 23430810, 30043187, 31130284, 23022070, 31589614, 34426522, 32685344)

Equipe Genetique des Anomalies du Developpement, Université de Bourgogne
Classification: Pathogenic for Pyridoxine-dependent epilepsy. Last evaluated: 2021-10-18. Review status: criteria provided, single submitter. Criteria: ACMG Guidelines, 2015. Collection method: clinical testing. Allele origin: maternal. Affected: yes.

MGZ Medical Genetics Center
Classification: Pathogenic for Pyridoxine-dependent epilepsy. Last evaluated: 2021-09-23. Review status: criteria provided, single submitter. Criteria: ACMG Guidelines, 2015. Collection method: clinical testing. Allele origin: germline. Affected: yes. Observed: 1 variant allele.
Comment: ACMG criteria applied: PS1, PM1, PM3, PM5, PM2_SUP, PP1, PP3

Center for Genomics, Ann and Robert H. Lurie Children's Hospital of Chicago
Classification: Pathogenic for Pyridoxine-dependent epilepsy. Last evaluated: 2021-03-30. Review status: criteria provided, single submitter. Criteria: ACMG Guidelines, 2015. Collection method: clinical testing. Allele origin: germline.
Comment: ALDH7A1 NM_001182.4 exon 14 p.Glu427Gln (c.1279G>C): This variant is a well known pathogenic variant and has been reported in the literature in numerous individuals with pyridoxine dependent epilepsy in the homozygous and compound heterozygous state (also reported as p.Glu399Gln; selected publications: Mills 2006 PMID:16491085, Bennett 2009 PMID:19128417, Schmitt 2010 PMID:20370816, van Karnebeek 2012 PMID:23022070, Mefford 2015 PMID:26224730, Coughlin 2019 PMID:30043187). Multiple publications suggest that this variant represents 1/3rd of mutated alleles for this gene (Bennett 2009 PMID:19128417, Mefford 2015 PMID:26224730). This variant is present in 0.04% (29/68034) of European alleles in the Genome Aggregation Database. Please note, disease causing variants may be present in control databases at low frequencies, reflective of the general population, carrier status, and/or variable expressivity. This variant is present in ClinVar, with several labs classifying this variant as Pathogenic (Variation ID:17994). Evolutionary conservation and computational predictive tools suggest that this variant may impact the protein. In addition, functional studies utilizing chinese hamster ovary cells and e.coli assays have shown a deleterious effect of this variant (Mills 2006 PMID:16491085, Coulter-Mackie 2012 PMID:22784480). Furthermore, other variants at this position (p.Glu427Gly/p.Glu399Gly and p.Glu427Asp/p.Glu399Gly) have also been reported in association with disease supporting that this codon has functional importance. In summary, this variant is classified as Pathogenic.

New York Genome Center
Classification: Pathogenic for Pyridoxine-dependent epilepsy. Last evaluated: 2020-06-12. Review status: criteria provided, single submitter. Criteria: NYGC Assertion Criteria 2020. Collection method: clinical testing. Allele origin: germline. Observed: 1 heterozygote. Study: CSER-NYCKidSeq.

Elsea Laboratory, Baylor College of Medicine
Classification: Pathogenic for Pyridoxine-dependent epilepsy. Last evaluated: 2020-04-01. Review status: criteria provided, single submitter. Criteria: ACMG Guidelines, 2015. Collection method: clinical testing. Allele origin: maternal. Affected: yes.

Rady Children's Institute for Genomic Medicine, Rady Children's Hospital San Diego
Classification: Pathogenic for EPILEPSY, PYRIDOXINE-DEPENDENT. Last evaluated: 2017-11-02. Review status: criteria provided, single submitter. Criteria: ACMG Guidelines, 2015. Collection method: clinical testing. Allele origin: germline. Affected: yes. Observed: 1 variant allele.
Comment: The p.Glu427Gln (commonly referred to in the literature as p.Glu399Gln) is missense variant in the ALDH7A1 gene. This variant is well reported in the literature, and had been reported to be the most prevalent pathogenic variant in ALDH7A1 (PMID: 20301659). The variant has been reported by multiple clinical laboratories as pathogenic in the ClinVar database. Functional studies have shown that the p.Glu427Gln results in an absence of detectable enzyme activity in a CHO in vitro cell model (PMID: 16491085). The highest reported allele frequency in the population databases is 0.0006% (81/126556 alleles). In silico modeling predicts this variant as damaging and it is highly conserved. Based on the available evidence, the p.Glu427Gln variant is classified as pathogenic.

Illumina Laboratory Services, Illumina
Classification: Pathogenic for Pyridoxine-dependent epilepsy. Last evaluated: 2017-08-25. Review status: criteria provided, single submitter. Criteria: ICSL Variant Classification Criteria 09 May 2019. Collection method: clinical testing. Allele origin: germline.
Comment: Across a selection of available literature, the ALDH7A1 c.1279G>C (p.Glu427Gln) missense variant, also referred to as p.Glu399Gln, has been reported in at least seven studies and identified in a total of 15 individuals, including in six in a homozygous state and in nine in a compound heterozygous state, all of whom have a diagnosis of pyridoxine-dependent epilepsy or seizures (Mills et al. 2006; Bennett et al. 2009; Schmitt et al. 2010; Nam et al. 2012; Proudfoot et al. 2013; Tlili et al. 2013; Mefford et al. 2015). The p.Glu427Gln variant was absent from 230 controls but is reported at a frequency of 0.00081 in the European American population of the Exome Sequencing Project. Functional studies using transfected CHO cells were performed by Mills et al. (2006) and found Î±-AASA dehydrogenase activity to be undetectable. Coulter-Mackie et al. (2012) used transfected E. coli and observed enzyme activity levels below the level of detection for the assay. Based on the collective evidence, the p.Glu427Gln variant is classified as pathogenic for pyridoxine-dependent epilepsy. This variant was observed by ICSL as part of a predisposition screen in an ostensibly healthy population.

Center for Pediatric Genomic Medicine, Children's Mercy Hospital and Clinics
Classification: Pathogenic. Last evaluated: 2017-06-28. Review status: criteria provided, single submitter. Criteria: ACMG Guidelines, 2015. Collection method: clinical testing. Allele origin: germline.

Eurofins Ntd Llc (ga)
Classification: Pathogenic. Last evaluated: 2015-02-23. Review status: criteria provided, single submitter. Criteria: EGL Classification Definitions 2015. Collection method: clinical testing. Allele origin: germline. Observed: 2 variant alleles, 2 heterozygotes.

Courtagen Diagnostics Laboratory, Courtagen Life Sciences
Classification: Pathogenic for Epilepsy, pyridoxine-dependent. Last evaluated: 2015-02-20. Review status: criteria provided, single submitter. Criteria: Courtagen Life Sciences Classifications. Collection method: clinical testing. Allele origin: germline. Affected: yes.

Genome Diagnostics Laboratory, University Medical Center Utrecht
Classification: Pathogenic for Pyridoxine-dependent epilepsy. Last evaluated: 2014-10-08. Review status: criteria provided, single submitter. Criteria: ACGS Guidelines, 2013. Collection method: clinical testing. Allele origin: germline. Affected: yes. Study: VKGL Data-share Consensus.

UCLA Clinical Genomics Center, UCLA
Classification: Likely pathogenic for Pyridoxine-dependent epilepsy. Last evaluated: 2013-06-18. Review status: criteria provided, single submitter. Criteria: Lee et al. (JAMA. 2014). Collection method: clinical testing. Allele origin: germline. Inheritance: Autosomal recessive inheritance. Affected: yes. Study: CES.

Centre de Biologie Pathologie Génétique, Centre Hospitalier Universitaire de Lille
Classification: Pathogenic for Pyridoxine-dependent epilepsy. Review status: criteria provided, single submitter. Criteria: ACMG Guidelines, 2015. Collection method: clinical testing. Allele origin: inherited. Affected: yes.

Juno Genomics, Hangzhou Juno Genomics, Inc
Classification: Pathogenic for Pyridoxine-dependent epilepsy. Review status: criteria provided, single submitter. Criteria: ACMG Guidelines, 2015. Collection method: clinical testing. Allele origin: germline.
Comment: Absent from controls (or at extremely low frequency if recessive) in Genome Aggregation Database.;Multiple lines of computational evidence support a deleterious effect on the gene or gene product.;For recessive disorders, detected in trans with a pathogenic variant.

Kariminejad - Najmabadi Pathology & Genetics Center
Classification: Pathogenic for Pyridoxine-dependent epilepsy. Review status: criteria provided, single submitter. Criteria: ACMG Guidelines, 2015. Collection method: clinical testing. Allele origin: germline. Affected: no.

Clinical Laboratory Sciences Program (CLSP), King Saud bin Abdulaziz University for Health Sciences (KSAU-HS)
Classification: Pathogenic for Pyridoxine-dependent epilepsy. Last evaluated: 2023-04-01. Review status: no assertion criteria provided. Collection method: clinical testing. Allele origin: germline. Affected: yes. Not counted in ClinVar's aggregate classification.

Genome Diagnostics Laboratory, Amsterdam University Medical Center
Classification: Pathogenic for Pyridoxine-dependent epilepsy. Last evaluated: 2017-01-18. Review status: no assertion criteria provided. Criteria: ACGS Guidelines, 2013. Collection method: clinical testing. Allele origin: germline. Affected: yes. Study: VKGL Data-share Consensus. Not counted in ClinVar's aggregate classification.

OMIM
Classification: Pathogenic for EPILEPSY, EARLY-ONSET, 4, VITAMIN B6-DEPENDENT. Last evaluated: 2007-10-01. Review status: no assertion criteria provided. Collection method: literature only. Allele origin: germline. Not counted in ClinVar's aggregate classification.

Cytogénomique, Hospices Civils de Lyon
Classification: Likely pathogenic for Pyridoxine-dependent epilepsy. Review status: no assertion criteria provided. Collection method: clinical testing. Allele origin: maternal. Inheritance: Autosomal dominant inheritance. Affected: yes. Not counted in ClinVar's aggregate classification.

GeneReviews
No classification provided. Condition: Pyridoxine-dependent epilepsy. Review status: no classification provided. Collection method: literature only. Allele origin: germline. Not counted in ClinVar's aggregate classification.
Comment: The most common pathogenic variant, accounting for 33% of pathogenic variants

Joint Genome Diagnostic Labs from Nijmegen and Maastricht, Radboudumc and MUMC+
Classification: Pathogenic. Review status: no assertion criteria provided. Collection method: clinical testing. Allele origin: germline. Affected: yes. Study: VKGL Data-share Consensus. Not counted in ClinVar's aggregate classification.

Literature cited by the submitters: PubMed 16491085 (cited by 8 submitters); PubMed 17068770 (cited by 3 submitters); PubMed 19128417 (cited by 5 submitters); PubMed 20370816 (cited by 3 submitters); PubMed 22371912 (cited by 5 submitters); PubMed 22784480 (cited by 5 submitters); PubMed 26224730 (cited by 3 submitters); PubMed 29056246 (cited by Ambry Genetics); PubMed 30043187 (cited by Victorian Clinical Genetics Services, Murdoch Childrens Research Institute and GeneReviews); PubMed 23022070 (cited by Laboratory for Molecular Medicine, Mass General Brigham Personalized Medicine); PubMed 23430810 (cited by Laboratory for Molecular Medicine, Mass General Brigham Personalized Medicine and Illumina Laboratory Services, Illumina); PubMed 23054014 (cited by Illumina Laboratory Services, Illumina); PubMed 17721876 (cited by OMIM); PubMed 16159904 (cited by OMIM); PubMed 17088338 (cited by OMIM); PubMed 20301659 (cited by GeneReviews).